The following is an entry in ClinVar:

ClinVar aggregate classification (germline): Uncertain significance (1 of 4 stars; one submission).

Conditions:
Familial focal epilepsy with variable foci (FPEVF). Identifiers: Orphanet 98820, MedGen C1858477, MONDO:0020310.

Allele frequency attached by ClinVar (database versions not stated): gnomAD exomes below 0.00001; ExAC 0.00001; TOPMed 0.00001.
gnomAD v4.1: 2 of 1,595,802 alleles (0.00013%); highest among the groups gnomAD compares: Admixed American, 0.0035%; no homozygotes.

Submission:

Labcorp Genetics (formerly Invitae), Labcorp
Classification: Uncertain significance for Familial focal epilepsy with variable foci. Last evaluated: 2025-05-22. Review status: criteria provided, single submitter. Criteria: Invitae Variant Classification Sherloc (09022015). Collection method: clinical testing. Allele origin: germline.
Comment: This sequence change replaces threonine, which is neutral and polar, with asparagine, which is neutral and polar, at codon 707 of the DEPDC5 protein (p.Thr707Asn). This variant is present in population databases (rs770083297, gnomAD 0.006%). This variant has not been reported in the literature in individuals affected with DEPDC5-related conditions. ClinVar contains an entry for this variant (Variation ID: 2043114). Experimental studies and prediction algorithms are not available or were not evaluated, and the functional significance of this variant is currently unknown. In summary, the available evidence is currently insufficient to determine the role of this variant in disease. Therefore, it has been classified as a Variant of Uncertain Significance.

NM_001242896.3(DEPDC5):c.2120C>A (p.Thr707Asn)

Gene: DEPDC5 (DEP domain containing 5, GATOR1 subcomplex subunit; plus strand). Cytogenetic location: 22q12.3.
Variant type: single nucleotide variant.
Coding change: c.2120C>A on transcript NM_001242896.3 (MANE Select); coding-DNA position 2120, C replaced by A.
Protein change: p.Thr707Asn; replaces threonine 707 with asparagine.
Molecular consequence: missense variant. On other transcripts: non-coding transcript variant (5).
Genome position (GRCh38, 1-based): chr22:31,833,930, C>A. VCF-style: chr22-31833930-C-A. GRCh37 (hg19) VCF-style: chr22-32229916-C-A.
Other names: c.2120C>A, p.Thr707Asn (NM_001136029.4, NM_001363852.2, NM_001364318.2 and 3 more transcripts); c.1886C>A, p.Thr629Asn (NM_001242897.2, NM_001363854.2, NM_001364319.2); c.2036C>A, p.Thr679Asn (NM_001369901.1, NM_001369902.1); short protein forms T629N, T679N, T707N.
Identifiers: ClinVar variation 2043114 (VCV002043114.4), dbSNP rs770083297, ClinGen allele CA10196599.